The following is an entry in ClinVar:

ClinVar aggregate classification (germline): Uncertain significance (1 of 4 stars; one submission).

Submission:

GeneDx
Classification: Uncertain significance. Last evaluated: 2024-04-01. Review status: criteria provided, single submitter. Criteria: GeneDx Variant Classification Process June 2021. Collection method: clinical testing. Allele origin: germline. Affected: yes.
Comment: Not observed at significant frequency in large population cohorts (gnomAD); In silico analysis supports that this missense variant does not alter protein structure/function; Has not been previously published as pathogenic or benign to our knowledge

NM_003128.3(SPTBN1):c.1577T>C (p.Met526Thr)

Gene: SPTBN1 (spectrin beta, non-erythrocytic 1; plus strand). Cytogenetic location: 2p16.2.
Variant type: single nucleotide variant.
Coding change: c.1577T>C on transcript NM_003128.3 (MANE Select); coding-DNA position 1577, T replaced by C.
Protein change: p.Met526Thr; replaces methionine 526 with threonine.
Molecular consequence: missense variant.
Genome position (GRCh38, 1-based): chr2:54,626,167, T>C. VCF-style: chr2-54626167-T-C. GRCh37 (hg19) VCF-style: chr2-54853304-T-C.
Other names: c.1538T>C, p.Met513Thr (NM_178313.3); short protein forms M513T, M526T.
Identifiers: ClinVar variation 3371771 (VCV003371771.1).